The following is an entry in ClinVar:

NM_016169.4(SUFU):c.531G>T (p.Met177Ile)

Gene: SUFU (SUFU negative regulator of hedgehog signaling; plus strand). Cytogenetic location: 10q24.32.
Variant type: single nucleotide variant.
Coding change: c.531G>T on transcript NM_016169.4 (MANE Select); coding-DNA position 531, G replaced by T.
Protein change: p.Met177Ile; replaces methionine 177 with isoleucine.
Molecular consequence: missense variant.
Genome position (GRCh38, 1-based): chr10:102,592,658, G>T. VCF-style: chr10-102592658-G-T. GRCh37 (hg19) VCF-style: chr10-104352415-G-T.
Other names: c.531G>T, p.Met177Ile (NM_001178133.2); short protein forms M177I.
Identifiers: ClinVar variation 1746826 (VCV001746826.2), dbSNP rs2135866942, ClinGen allele CA377908410.

ClinVar aggregate classification (germline): Uncertain significance (1 of 4 stars; one submission).

Conditions:
Hereditary cancer-predisposing syndrome. Also called: Hereditary Cancer Syndrome; Neoplastic Syndromes, Hereditary; Tumor predisposition; Hereditary neoplastic syndrome. Identifiers: Orphanet 140162, MedGen C0027672, MeSH D009386, MONDO:0015356.

Submission:

Ambry Genetics
Classification: Uncertain significance for Hereditary cancer-predisposing syndrome. Last evaluated: 2022-06-04. Review status: criteria provided, single submitter. Criteria: Ambry Variant Classification Scheme 2023. Collection method: clinical testing. Allele origin: germline.
Comment: The p.M177I variant (also known as c.531G>T), located in coding exon 4 of the SUFU gene, results from a G to T substitution at nucleotide position 531. The methionine at codon 177 is replaced by isoleucine, an amino acid with highly similar properties. This amino acid position is conserved. In addition, this alteration is predicted to be deleterious by in silico analysis. Since supporting evidence is limited at this time, the clinical significance of this alteration remains unclear.